The following is an entry in ClinVar:

NM_022336.4(EDAR):c.292C>T (p.Arg98Trp)

Genes: EDAR (ectodysplasin A receptor; minus strand), RANBP2 (RAN binding protein 2; plus strand). Cytogenetic location: 2q13.
Variant type: single nucleotide variant.
Coding change: c.292C>T on transcript NM_022336.4 (MANE Select); coding-DNA position 292, C replaced by T.
Protein change: p.Arg98Trp; replaces arginine 98 with tryptophan.
Molecular consequence: missense variant.
Genome position (GRCh38, 1-based): chr2:108,929,262, G>A on the plus strand (C>T on the coding strand, the complement: EDAR is on the minus strand). VCF-style: chr2-108929262-G-A. GRCh37 (hg19) VCF-style: chr2-109545718-G-A.
Other names: short protein forms R98W.
Identifiers: ClinVar variation 532549 (VCV000532549.51), dbSNP rs557166582, ClinGen allele CA54012145.

ClinVar aggregate classification (germline): Pathogenic/Likely pathogenic. Review status: criteria provided, multiple submitters, no conflicts (2 of 4 stars). 4 submissions from 4 submitters: Pathogenic (2); Likely pathogenic (2). Last evaluated 2024-10-01.

Conditions:
Autosomal recessive hypohidrotic ectodermal dysplasia syndrome. Also called: Autosomal recessive hypohidrotic ectodermal dysplasia. Identifiers: Orphanet 248, MedGen C0406702, MONDO:0016619.
Ectodermal dysplasia 10A, hypohidrotic/hair/nail type, autosomal dominant (ECTD10A). Also called: Ectodermal Dysplasia 3, Anhidrotic. Identifiers: Orphanet 1810, Orphanet 238468, MedGen C3888065, MONDO:0007509, OMIM 129490.
Ectodermal dysplasia 10B, hypohidrotic/hair/tooth type, autosomal recessive. Also called: Ectodermal Dysplasia, Hypohidrotic, Autosomal Recessive; Ectodermal dysplasia 10B, hypohidrotic/hair/tooth type, autosomal. Identifiers: Orphanet 238468, Orphanet 248, MedGen C3887494, MONDO:0009147, OMIM 224900.

Allele frequency attached by ClinVar (database versions not stated): gnomAD 0.00001; 1000 Genomes Project 30x 0.00016; 1000 Genomes Project 0.00020.
gnomAD v4.1: 19 of 1,614,170 alleles (0.0012%); highest among the groups gnomAD compares: South Asian, 0.0055%; no homozygotes.

Submissions (4):

Labcorp Genetics (formerly Invitae), Labcorp
Classification: Pathogenic for Ectodermal dysplasia 10A, hypohidrotic/hair/nail type, autosomal dominant; Autosomal recessive hypohidrotic ectodermal dysplasia syndrome. Last evaluated: 2024-10-01. Review status: criteria provided, single submitter. Criteria: Invitae Variant Classification Sherloc (09022015). Collection method: clinical testing. Allele origin: germline.
Comment: This sequence change replaces arginine, which is basic and polar, with tryptophan, which is neutral and slightly polar, at codon 98 of the EDAR protein (p.Arg98Trp). This variant is present in population databases (rs557166582, gnomAD 0.0009%). This missense change has been observed in individual(s) with clinical features of ectodermal dysplasia (PMID: 22032522; internal data). In at least one individual the data is consistent with being in trans (on the opposite chromosome) from a pathogenic variant. ClinVar contains an entry for this variant (Variation ID: 532549). Invitae Evidence Modeling of protein sequence and biophysical properties (such as structural, functional, and spatial information, amino acid conservation, physicochemical variation, residue mobility, and thermodynamic stability) indicates that this missense variant is expected to disrupt EDAR protein function with a positive predictive value of 80%. For these reasons, this variant has been classified as Pathogenic.

CeGaT Center for Human Genetics Tuebingen
Classification: Likely pathogenic. Last evaluated: 2019-11-01. Review status: criteria provided, single submitter. Criteria: CeGaT Center For Human Genetics Tuebingen Variant Classification Criteria Version 2. Collection method: clinical testing. Allele origin: germline. Affected: yes. Observed: 1 variant allele.

Institute of Human Genetics, University of Leipzig Medical Center
Classification: Pathogenic for Ectodermal dysplasia 10B, hypohidrotic/hair/tooth type, autosomal recessive. Last evaluated: 2017-06-13. Review status: criteria provided, single submitter. Criteria: ACMG Guidelines, 2015. Collection method: clinical testing. Allele origin: germline. Affected: yes. Observed: 1 variant allele.
Comment: This variant was identified as homozygous

Suma Genomics
Classification: Likely pathogenic for Ectodermal dysplasia 10B, hypohidrotic/hair/tooth type, autosomal recessive. Review status: criteria provided, single submitter. Criteria: ACMG Guidelines, 2015. Collection method: clinical testing. Allele origin: inherited. Inheritance: Autosomal recessive inheritance. Affected: yes.

Literature cited by the submitters: PubMed 22032522 (cited by Labcorp Genetics (formerly Invitae), Labcorp).